The following is an entry in ClinVar:

NM_002016.2(FLG):c.3191G>A (p.Trp1064Ter)

Genes: CCDST (cervical cancer associated DHX9 suppressive transcript; plus strand), FLG (filaggrin; minus strand). Cytogenetic location: 1q21.3.
Variant type: single nucleotide variant.
Coding change: c.3191G>A on transcript NM_002016.2 (MANE Select); coding-DNA position 3191, G replaced by A.
Protein change: p.Trp1064Ter; replaces tryptophan 1064 with a stop codon.
Molecular consequence: nonsense.
Genome position (GRCh38, 1-based): chr1:152,311,695, C>T on the plus strand (G>A on the coding strand, the complement: FLG is on the minus strand). VCF-style: chr1-152311695-C-T. GRCh37 (hg19) VCF-style: chr1-152284171-C-T.
Other names: short protein forms W1064*.
Identifiers: ClinVar variation 3393909 (VCV003393909.5).

ClinVar aggregate classification (germline): Pathogenic/Likely pathogenic. Review status: criteria provided, multiple submitters, no conflicts (2 of 4 stars). 3 submissions from 3 submitters: Pathogenic (2); Likely pathogenic (1). Last evaluated 2025-12-03.

Conditions:
Ichthyosis vulgaris. Also called: Dominant ichthyosis vulgaris; ICHTHYOSIS SIMPLEX. Identifiers: MedGen C0079584, MONDO:0024304, OMIM 146700.
FLG-related disorder. Also called: FLG-related condition; FLG-related disorders.

gnomAD v4.1: 120 of 1,614,042 alleles (0.0074%); highest among the groups gnomAD compares: South Asian, 0.13%; no homozygotes.

Submissions (3):

GeneDx
Classification: Pathogenic. Last evaluated: 2025-12-03. Review status: criteria provided, single submitter. Criteria: GeneDx Variant Classification Process June 2021. Collection method: clinical testing. Allele origin: germline.
Comment: Observed with a second FLG variant, either in trans or phase unknown, in patients with features consistent with an FLG-related disorder referred for genetic testing at GeneDx and in the published literature (PMID: 36360260, 32018027); Nonsense variant predicted to result in protein truncation, as the last 2998 amino acids are lost, and other loss-of-function variants have been reported downstream in HGMD; This variant is associated with the following publications: (PMID: 32018027, 36360260, 40125057)

Blueprint Genetics
Classification: Pathogenic for FLG-related disorders. Last evaluated: 2023-10-12. Review status: criteria provided, single submitter. Criteria: ACMG Guidelines, 2015. Collection method: clinical testing. Allele origin: germline. Affected: yes. Observed: 4 variant alleles.

CGC Genetics, Unilabs
Classification: Likely pathogenic for Ichthyosis vulgaris. Review status: criteria provided, single submitter. Criteria: ACMG Guidelines, 2015. Collection method: clinical testing. Allele origin: unknown. Affected: yes. Observed: 1 heterozygote.
Comment: The variant NM_002016.2:c.3191G>A p.(Trp1064*), detected in heterozygosity in exon 3 (of 3) of the FLG gene (chr.1), is described in the literature in patients with atopic dermatitis (PMID: 33282748, 37067103), and has been reported to segregate with the disease in one family (PMID: 36360260). It is reported in the gnomAD v4 database (0.007435%, with 120 heterozygous individuals). It is a nonsense variant that introduces a premature stop codon, which in turn is predicted to lead to the creation of a truncated protein and/or a reduction in its expression due to mRNA degradation. With the information currently available, this should be classified as a likely pathogenic variant. ACMG codes: PVS1_strong; PP1_supporting; PS4_supporting.

Literature cited by the submitters: PubMed 33282748 (cited by CGC Genetics, Unilabs); PubMed 36360260 (cited by CGC Genetics, Unilabs); PubMed 37067103 (cited by CGC Genetics, Unilabs); PubMed 38989976 (cited by CGC Genetics, Unilabs).